The following is an entry in ClinVar:

NM_001363711.2(DUOX2):c.58C>G (p.Leu20Val)

Gene: DUOX2 (dual oxidase 2; minus strand). Cytogenetic location: 15q21.1.
Variant type: single nucleotide variant.
Coding change: c.58C>G on transcript NM_001363711.2 (MANE Select); coding-DNA position 58, C replaced by G.
Protein change: p.Leu20Val; replaces leucine 20 with valine.
Molecular consequence: missense variant.
Genome position (GRCh38, 1-based): chr15:45,113,354, G>C on the plus strand (C>G on the coding strand, the complement: DUOX2 is on the minus strand). VCF-style: chr15-45113354-G-C. GRCh37 (hg19) VCF-style: chr15-45405552-G-C.
Other names: c.58C>G, p.Leu20Val (NM_014080.5); short protein forms L20V.
Identifiers: ClinVar variation 2731107 (VCV002731107.3), dbSNP rs2504792361, ClinGen allele CA392280473.

ClinVar aggregate classification (germline): Uncertain significance (1 of 4 stars; one submission).

Submission:

Labcorp Genetics (formerly Invitae), Labcorp
Classification: Uncertain significance. Last evaluated: 2023-06-27. Review status: criteria provided, single submitter. Criteria: Invitae Variant Classification Sherloc (09022015). Collection method: clinical testing. Allele origin: germline.
Comment: This variant has not been reported in the literature in individuals affected with DUOX2-related conditions. This variant is not present in population databases (gnomAD no frequency). This sequence change replaces leucine, which is neutral and non-polar, with valine, which is neutral and non-polar, at codon 20 of the DUOX2 protein (p.Leu20Val). Advanced modeling of protein sequence and biophysical properties (such as structural, functional, and spatial information, amino acid conservation, physicochemical variation, residue mobility, and thermodynamic stability) performed at Invitae indicates that this missense variant is not expected to disrupt DUOX2 protein function. In summary, the available evidence is currently insufficient to determine the role of this variant in disease. Therefore, it has been classified as a Variant of Uncertain Significance.